The following is an entry in ClinVar:

NM_201596.3(CACNB2):c.1933A>T (p.Lys645Ter)

Gene: CACNB2 (calcium voltage-gated channel auxiliary subunit beta 2; plus strand). Cytogenetic location: 10p12.31.
Variant type: single nucleotide variant.
Coding change: c.1933A>T on transcript NM_201596.3 (MANE Select); coding-DNA position 1933, A replaced by T.
Protein change: p.Lys645Ter; replaces lysine 645 with a stop codon.
Molecular consequence: nonsense.
Genome position (GRCh38, 1-based): chr10:18,539,674, A>T. VCF-style: chr10-18539674-A-T. GRCh37 (hg19) VCF-style: chr10-18828603-A-T.
Other names: c.1768A>T, p.Lys590Ter (NM_000724.4); c.1735A>T, p.Lys579Ter (NM_001167945.2); c.1654A>T, p.Lys552Ter (NM_001330060.2); c.1675A>T, p.Lys559Ter (NM_001410882.1); c.1789A>T, p.Lys597Ter (NM_201570.3); c.1849A>T, p.Lys617Ter (NM_201571.4); c.1777A>T, p.Lys593Ter (NM_201572.4); c.1771A>T, p.Lys591Ter (NM_201590.3); and 3 more; short protein forms K552*, K559*, K579*, K590*, K591*, K593*, K597*, K607*.
Identifiers: ClinVar variation 2637425 (VCV002637425.2), dbSNP rs1177444505, ClinGen allele CA376072854.

ClinVar aggregate classification (germline): Uncertain significance. Review status: criteria provided, multiple submitters, no conflicts (2 of 4 stars). 2 submissions from 2 submitters: Uncertain significance (2). Last evaluated 2024-12-03.

Conditions:
Cardiovascular phenotype. Identifiers: MedGen CN230736.

Allele frequency attached by ClinVar (database versions not stated): TOPMed below 0.00001; gnomAD 0.00001.

Submissions (2):

Ambry Genetics
Classification: Uncertain significance for Cardiovascular phenotype. Last evaluated: 2024-12-03. Review status: criteria provided, single submitter. Criteria: Ambry Variant Classification Scheme 2023. Collection method: clinical testing. Allele origin: germline.
Comment: The p.K591* variant (also known as c.1771A>T), located in coding exon 13 of the CACNB2 gene, results from an A to T substitution at nucleotide position 1771. This changes the amino acid from a lysine to a stop codon within coding exon 13. This alteration is expected to result in protein truncation. However, loss of function of CACNB2 has not been established as a mechanism of disease. The evidence for this gene-disease relationship is limited; therefore, the clinical significance of this alteration is unclear.

Women's Health and Genetics/Laboratory Corporation of America, LabCorp
Classification: Uncertain significance. Last evaluated: 2023-10-23. Review status: criteria provided, single submitter. Criteria: LabCorp Variant Classification Summary - May 2015. Collection method: clinical testing. Allele origin: germline.
Comment: Variant summary: CACNB2 c.1771A>T (p.Lys591X) results in a premature termination codon, predicted to cause a truncation of the encoded protein, however nonsense mediated decay is not expected. The variant was absent in 250154 control chromosomes. The available data on variant occurrences in the general population are insufficient to allow any conclusion about variant significance. To our knowledge, no occurrence of c.1771A>T in individuals affected with Brugada Syndrome and no experimental evidence demonstrating its impact on protein function have been reported. No submitters have cited clinical-significance assessments for this variant to ClinVar after 2014. Based on the evidence outlined above, the variant was classified as uncertain significance.